The following is an entry in ClinVar:

ClinVar aggregate classification (germline): Likely benign. Review status: reviewed by expert panel (3 of 4 stars). 6 submissions from 6 submitters: Likely benign (1). 5 of the submissions do not count toward it. Last evaluated 2017-06-29.

Conditions:
Hereditary cancer-predisposing syndrome. Also called: Tumor predisposition; Hereditary Cancer Syndrome; Hereditary neoplastic syndrome; Neoplastic Syndromes, Hereditary. Identifiers: Orphanet 140162, MedGen C0027672, MeSH D009386, MONDO:0015356.
Hereditary breast ovarian cancer syndrome. Also called: Hereditary breast and ovarian cancer; Breast and ovarian cancer; BRCA1- and BRCA2-Associated Hereditary Breast and Ovarian Cancer; Hereditary breast and ovarian cancer syndrome; Hereditary breast and ovarian cancer syndrome (HBOC); Hereditary breast and/or ovarian cancer syndrome. Identifiers: Orphanet 145, MedGen C0677776, MeSH D061325, MONDO:0003582. Disease mechanism: loss of function.
Breast-ovarian cancer, familial, susceptibility to, 2 (BROVCA2). Also called: BRCA2 Hereditary Breast and Ovarian Cancer. Identifiers: Orphanet 145, MedGen C2675520, MONDO:0012933, OMIM 612555. Disease mechanism: loss of function.

Allele frequency attached by ClinVar (database versions not stated): gnomAD exomes below 0.00001.

Submissions (6):

Evidence-based Network for the Interpretation of Germline Mutant Alleles (ENIGMA)
Classification: Likely benign for Breast-ovarian cancer, familial, susceptibility to, 2. Last evaluated: 2017-06-29. Review status: reviewed by expert panel. Criteria: ENIGMA BRCA1/2 Classification Criteria (2017-06-29). Collection method: curation. Allele origin: germline.
Comment: Synonymous substitution variant, with low bioinformatic likelihood to result in a splicing aberration (Splicing prior probability 0.02).

Labcorp Genetics (formerly Invitae), Labcorp
Classification: Likely benign for Hereditary breast ovarian cancer syndrome. Last evaluated: 2025-06-30. Review status: criteria provided, single submitter. Criteria: Invitae Variant Classification Sherloc (09022015). Collection method: clinical testing. Allele origin: germline. Not counted in ClinVar's aggregate classification.

Center for Genomic Medicine, Rigshospitalet, Copenhagen University Hospital
Classification: Likely benign. Last evaluated: 2025-03-04. Review status: criteria provided, single submitter. Criteria: ACMG Guidelines, 2015. Collection method: clinical testing. Allele origin: germline. Not counted in ClinVar's aggregate classification.

All of Us Research Program, National Institutes of Health
Classification: Likely benign for Breast-ovarian cancer, familial, susceptibility to, 2. Last evaluated: 2023-08-15. Review status: criteria provided, single submitter. Criteria: ACMG Guidelines, 2015. Collection method: clinical testing. Allele origin: germline. Inheritance: Autosomal dominant inheritance. Observed: 1 variant allele, 1 heterozygote. Not counted in ClinVar's aggregate classification.
Comment: This study involves interpretation of variants in research participants for the purpose of population health screening. Participant phenotype was not available at the time of variant classification. Additional details can be found in publication PMID: 35346344, PMCID: PMC8962531

Women's Health and Genetics/Laboratory Corporation of America, LabCorp
Classification: Likely benign. Last evaluated: 2022-03-28. Review status: criteria provided, single submitter. Criteria: LabCorp Variant Classification Summary - May 2015. Collection method: clinical testing. Allele origin: germline. Not counted in ClinVar's aggregate classification.

Ambry Genetics
Classification: Likely benign for Hereditary cancer-predisposing syndrome. Last evaluated: 2021-10-08. Review status: criteria provided, single submitter. Criteria: Ambry Variant Classification Scheme 2023. Collection method: clinical testing. Allele origin: germline. Not counted in ClinVar's aggregate classification.

NM_000059.4(BRCA2):c.7872T>C (p.Tyr2624=)

Gene: BRCA2 (BRCA2 DNA repair associated; plus strand). Cytogenetic location: 13q13.1.
Variant type: single nucleotide variant.
Coding change: c.7872T>C on transcript NM_000059.4 (MANE Select); coding-DNA position 7872, T replaced by C.
Protein change: p.Tyr2624=; no amino-acid change (tyrosine 2624 retained).
Molecular consequence: synonymous variant.
Genome position (GRCh38, 1-based): chr13:32,362,589, T>C. VCF-style: chr13-32362589-T-C. GRCh37 (hg19) VCF-style: chr13-32936726-T-C.
Identifiers: ClinVar variation 236911 (VCV000236911.20), dbSNP rs863224468, ClinGen allele CA10583136.